The following is an entry in ClinVar:

NM_000528.4(MAN2B1):c.2640T>A (p.Asn880Lys)

Gene: MAN2B1 (mannosidase alpha class 2B member 1; minus strand). Cytogenetic location: 19p13.13.
Variant type: single nucleotide variant.
Coding change: c.2640T>A on transcript NM_000528.4 (MANE Select); coding-DNA position 2640, T replaced by A.
Protein change: p.Asn880Lys; replaces asparagine 880 with lysine.
Molecular consequence: missense variant.
Genome position (GRCh38, 1-based): chr19:12,648,199, A>T on the plus strand (T>A on the coding strand, the complement: MAN2B1 is on the minus strand). VCF-style: chr19-12648199-A-T. GRCh37 (hg19) VCF-style: chr19-12759013-A-T.
Other names: c.2637T>A, p.Asn879Lys (NM_001173498.2); short protein forms N879K, N880K.
Identifiers: ClinVar variation 1448113 (VCV001448113.7), dbSNP rs763786776, ClinGen allele CA404239463.
Genomic context (GRCh38, chr19:12,648,199, plus strand): 5'-AATCCGGTCCTCTCTGCCTACCCCGCTGCCCCTCACCTGCGTGCGCGGAGGAGCCCCGAG[A>T]TTGTAGGCGGCGCCGCCACCCGGGGCCAGCACCACCTGAGGGGCCAGGACCTCCTGCTCC-3'
Protein context (NP_000519.2, residues 870-890): VLAPGGGAAY[Asn880Lys]LGAPPRTQFS

ClinVar aggregate classification (germline): Uncertain significance (1 of 4 stars; one submission).

Conditions:
Deficiency of alpha-mannosidase (MANSA). Also called: LYSOSOMAL ALPHA-D-MANNOSIDASE DEFICIENCY; Mannosidosis, alpha-, types I and II; Alpha-Mannosidosis. Identifiers: Orphanet 61, MedGen C0024748, MONDO:0009561, OMIM 248500.

gnomAD v4.1: 3 of 1,548,572 alleles (0.00019%); highest among the groups gnomAD compares: Non-Finnish European, 0.00026%; no homozygotes.

Submission:

Labcorp Genetics (formerly Invitae), Labcorp
Classification: Uncertain significance for Deficiency of alpha-mannosidase. Last evaluated: 2024-10-29. Review status: criteria provided, single submitter. Criteria: Invitae Variant Classification Sherloc (09022015). Collection method: clinical testing. Allele origin: germline.
Comment: This sequence change replaces asparagine, which is neutral and polar, with lysine, which is basic and polar, at codon 880 of the MAN2B1 protein (p.Asn880Lys). This variant is not present in population databases (gnomAD no frequency). This variant has not been reported in the literature in individuals affected with MAN2B1-related conditions. ClinVar contains an entry for this variant (Variation ID: 1448113). Invitae Evidence Modeling of protein sequence and biophysical properties (such as structural, functional, and spatial information, amino acid conservation, physicochemical variation, residue mobility, and thermodynamic stability) indicates that this missense variant is not expected to disrupt MAN2B1 protein function with a negative predictive value of 95%. In summary, the available evidence is currently insufficient to determine the role of this variant in disease. Therefore, it has been classified as a Variant of Uncertain Significance.